The following is an entry in ClinVar:

NM_025099.6(CTC1):c.1002C>T (p.Leu334=)

Gene: CTC1 (CST telomere replication complex component 1; minus strand). Cytogenetic location: 17p13.1.
Variant type: single nucleotide variant.
Coding change: c.1002C>T on transcript NM_025099.6 (MANE Select); coding-DNA position 1002, C replaced by T.
Protein change: p.Leu334=; no amino-acid change (leucine 334 retained).
Molecular consequence: synonymous variant. On other transcripts: non-coding transcript variant (1).
Genome position (GRCh38, 1-based): chr17:8,236,133, G>A on the plus strand (C>T on the coding strand, the complement: CTC1 is on the minus strand). VCF-style: chr17-8236133-G-A. GRCh37 (hg19) VCF-style: chr17-8139451-G-A.
Other names: c.1002C>T (NM_025099.5).
Identifiers: ClinVar variation 1205857 (VCV001205857.32), dbSNP rs369276308, ClinGen allele CA8372506.

ClinVar aggregate classification (germline): Likely benign. Review status: criteria provided, multiple submitters, no conflicts (2 of 4 stars). 7 submissions from 7 submitters: Likely benign (4). 3 of the submissions do not count toward it. Last evaluated 2026-01-11.

Conditions:
CTC1-related disorder. Also called: CTC1-related condition.
Dyskeratosis congenita. Identifiers: Orphanet 1775, MedGen C0265965, MONDO:0015780.

Allele frequency attached by ClinVar (database versions not stated): ExAC 0.00002; TOPMed 0.00005; gnomAD 0.00006; gnomAD exomes 0.00007; ESP Exome Variant Server 0.00008.
gnomAD v4.1: 203 of 1,614,092 alleles (0.013%); highest among the groups gnomAD compares: Non-Finnish European, 0.017%; no homozygotes.

Submissions (7):

Labcorp Genetics (formerly Invitae), Labcorp
Classification: Likely benign for Dyskeratosis congenita. Last evaluated: 2026-01-11. Review status: criteria provided, single submitter. Criteria: Invitae Variant Classification Sherloc (09022015). Collection method: clinical testing. Allele origin: germline.

PreventionGenetics, part of Exact Sciences
Classification: Likely benign for CTC1-related condition. Last evaluated: 2024-11-11. Review status: criteria provided, single submitter. Criteria: ACMG Guidelines, 2015. Collection method: clinical testing. Allele origin: germline.
Comment: This variant is classified as likely benign based on ACMG/AMP sequence variant interpretation guidelines (Richards et al. 2015 PMID: 25741868, with internal and published modifications).

Blueprint Genetics
Classification: Likely benign. Last evaluated: 2024-10-08. Review status: criteria provided, single submitter. Criteria: ACMG Guidelines, 2015. Collection method: clinical testing. Allele origin: germline.

CeGaT Center for Human Genetics Tuebingen
Classification: Likely benign. Last evaluated: 2024-05-01. Review status: criteria provided, single submitter. Criteria: CeGaT Center For Human Genetics Tuebingen Variant Classification Criteria Version 2. Collection method: clinical testing. Allele origin: germline. Affected: yes. Observed: 1 variant allele.
Comment: CTC1: BP4, BP7

Clinical Genetics DNA and cytogenetics Diagnostics Lab, Erasmus MC, Erasmus Medical Center
Classification: Likely benign. Review status: no assertion criteria provided. Collection method: clinical testing. Allele origin: germline. Affected: yes. Study: VKGL Data-share Consensus. Not counted in ClinVar's aggregate classification.

Genome Diagnostics Laboratory, University Medical Center Utrecht
Classification: Likely benign. Review status: no assertion criteria provided. Collection method: clinical testing. Allele origin: germline. Affected: yes. Study: VKGL Data-share Consensus. Not counted in ClinVar's aggregate classification.

Laboratory of Diagnostic Genome Analysis, Leiden University Medical Center (LUMC)
Classification: Likely benign. Review status: no assertion criteria provided. Collection method: clinical testing. Allele origin: germline. Affected: yes. Study: VKGL Data-share Consensus. Not counted in ClinVar's aggregate classification.